The following is an entry in ClinVar:

GRCh38/hg38 7q36.3(chr7:157882016-159333620)x1

Genes: DYNC2I1 (dynein 2 intermediate chain 1; plus strand), ESYT2 (extended synaptotagmin 2; minus strand), LINC00689 (long independently transcribed non-coding RNA 689; plus strand), LINC01022 (long independently transcribed non-coding RNA 1022; plus strand), MIR5707 (microRNA 5707; plus strand) and 44 more. Cytogenetic location: 7q36.3.
Variant type: copy number loss.
Change: copy number 1 (one copy instead of two) of chr7:157,882,016-159,333,620 (1.45 Mb, GRCh38 coordinates, 1-based), cytogenetic band 7q36.3.
Identifiers: ClinVar variation 4890962 (VCV004890962.1).

ClinVar aggregate classification (germline): Pathogenic (1 of 4 stars; one submission).

Submission:

Clinical Genomics Laboratory, Laboratory for Precision Diagnostics, University of Washington
Classification: Pathogenic. Last evaluated: 2023-11-20. Review status: criteria provided, single submitter. Criteria: ACMG/ClinGen CNV Guidelines, 2019. Collection method: clinical testing. Allele origin: unknown. Affected: yes. Observed: 1 variant allele.
Comment: This terminal deletion is approximately 1.45 Mb in size and removes part or all of 5 protein-coding genes. None of the genes in this region are known to cause health problems when one copy is deleted, but NCAPG2 and WDR60 are each associated with an autosomal recessive condition.